The following is an entry in ClinVar:

NM_001361.5(DHODH):c.573G>A (p.Ala191=)

Gene: DHODH (dihydroorotate dehydrogenase (quinone); plus strand). Cytogenetic location: 16q22.2.
Variant type: single nucleotide variant.
Coding change: c.573G>A on transcript NM_001361.5 (MANE Select); coding-DNA position 573, G replaced by A.
Protein change: p.Ala191=; no amino-acid change (alanine 191 retained).
Molecular consequence: synonymous variant.
Genome position (GRCh38, 1-based): chr16:72,021,179, G>A. VCF-style: chr16-72021179-G-A. GRCh37 (hg19) VCF-style: chr16-72055078-G-A.
Identifiers: ClinVar variation 257968 (VCV000257968.38), dbSNP rs148523165, ClinGen allele CA8158697.

ClinVar aggregate classification (germline): Benign/Likely benign. Review status: criteria provided, multiple submitters, no conflicts (2 of 4 stars). 5 submissions from 5 submitters: Benign (3); Likely benign (2). Last evaluated 2026-08-01.

Conditions:
Miller syndrome (POADS). Also called: GENEE-WIEDEMANN SYNDROME; Genee-Wiedemann acrofacial dysostosis. Identifiers: Orphanet 246, MedGen C0265257, MONDO:0009903, OMIM 263750.

Allele frequency attached by ClinVar (database versions not stated): 1000 Genomes Project 0.00339; 1000 Genomes Project 30x 0.00344; TOPMed 0.00764; gnomAD exomes 0.00801 and 0.01171; gnomAD 0.00865 and 0.00894; ESP Exome Variant Server 0.00945; ExAC 0.01025.
gnomAD v4.1: 18,356 of 1,609,634 alleles (1.1%); highest among the groups gnomAD compares: Non-Finnish European, 1.4%; 144 homozygotes.

Submissions (5):

CeGaT Center for Human Genetics Tuebingen
Classification: Benign. Last evaluated: 2026-08-01. Review status: criteria provided, single submitter. Criteria: CeGaT Center For Human Genetics Tuebingen Variant Classification Criteria Version 2. Collection method: clinical testing. Allele origin: germline. Affected: yes. Observed: 6 variant alleles.
Comment: DHODH: BP4, BP7, BS1, BS2

Labcorp Genetics (formerly Invitae), Labcorp
Classification: Benign. Last evaluated: 2026-01-05. Review status: criteria provided, single submitter. Criteria: Invitae Variant Classification Sherloc (09022015). Collection method: clinical testing. Allele origin: germline.

Illumina Laboratory Services, Illumina
Classification: Benign for Miller syndrome. Last evaluated: 2018-01-13. Review status: criteria provided, single submitter. Criteria: ICSL Variant Classification Criteria 13 December 2019. Collection method: clinical testing. Allele origin: germline.
Comment: This variant was observed in the ICSL laboratory as part of a predisposition screen in an ostensibly healthy population. It had not been previously curated by ICSL or reported in the Human Gene Mutation Database (HGMD: prior to June 1st, 2018), and was therefore a candidate for classification through an automated scoring system. Utilizing variant allele frequency, disease prevalence and penetrance estimates, and inheritance mode, an automated score was calculated to assess if this variant is too frequent to cause the disease. Based on the score and internal cut-off values, a variant classified as benign is not then subjected to further curation. The score for this variant resulted in a classification of benign for this disease.

Breakthrough Genomics
Classification: Likely benign. Review status: criteria provided, single submitter. Criteria: ACMG Guidelines, 2015. Collection method: not provided. Allele origin: germline. Inheritance: Autosomal recessive inheritance. Affected: yes.

PreventionGenetics, part of Exact Sciences
Classification: Likely benign. Review status: criteria provided, single submitter. Criteria: ACMG Guidelines, 2015. Collection method: clinical testing. Allele origin: germline.